The following is an entry in ClinVar:

ClinVar aggregate classification (germline): Uncertain significance (1 of 4 stars; one submission).

Allele frequency attached by ClinVar (database versions not stated): gnomAD exomes below 0.00001.

Submission:

GeneDx
Classification: Uncertain significance. Last evaluated: 2023-08-16. Review status: criteria provided, single submitter. Criteria: GeneDx Variant Classification Process June 2021. Collection method: clinical testing. Allele origin: germline.
Comment: Not observed at significant frequency in large population cohorts (gnomAD); In silico analysis supports that this missense variant has a deleterious effect on protein structure/function; Has not been previously published as pathogenic or benign to our knowledge

NM_001085458.2(CTNND1):c.1513C>T (p.His505Tyr)

Genes: CTNND1 (catenin delta 1; plus strand), TMX2-CTNND1 (TMX2-CTNND1 readthrough (NMD candidate); plus strand). Cytogenetic location: 11q12.1.
Variant type: single nucleotide variant.
Coding change: c.1513C>T on transcript NM_001085458.2 (MANE Select); coding-DNA position 1513, C replaced by T.
Protein change: p.His505Tyr; replaces histidine 505 with tyrosine.
Molecular consequence: missense variant. On other transcripts: non-coding transcript variant (1).
Genome position (GRCh38, 1-based): chr11:57,803,713, C>T. VCF-style: chr11-57803713-C-T. GRCh37 (hg19) VCF-style: chr11-57571185-C-T.
Other names: c.1513C>T, p.His505Tyr (NM_001085459.2, NM_001085460.2, NM_001085461.2 and 3 more transcripts); c.1210C>T, p.His404Tyr (NM_001085463.2, NM_001085464.2, NM_001085465.2 and 5 more transcripts); c.1351C>T, p.His451Tyr (NM_001206883.2, NM_001206884.2, NM_001206886.2 and 4 more transcripts); short protein forms H404Y, H451Y, H505Y.
Identifiers: ClinVar variation 2430502 (VCV002430502.2), dbSNP rs2497405201, ClinGen allele CA380727214.